The following is an entry in ClinVar:

NM_000455.5(STK11):c.677del (p.Asn226fs)

Gene: STK11 (serine/threonine kinase 11; plus strand). Cytogenetic location: 19p13.3.
Variant type: Deletion.
Coding change: c.677del on transcript NM_000455.5 (MANE Select); coding-DNA position 677, one base deleted (A; older notation c.677delA).
Protein change: p.Asn226fs; shifts the reading frame from asparagine 226.
Molecular consequence: frameshift variant.
Genome position (GRCh38, 1-based): chr19:1,220,660, A deleted; the last of 2 consecutive A bases (chr19:1,220,659-1,220,660); deleting either gives the same sequence. VCF-style (leftmost placement, unchanged base first): chr19-1220658-CA-C. GRCh37 (hg19) VCF-style: chr19-1220657-CA-C.
Other names: c.677delA, p.Asn226Thrfs (NM_001407255.1); short protein forms N226fs.
Identifiers: ClinVar variation 1755385 (VCV001755385.2), dbSNP rs2512943618, ClinGen allele CA2580096089.

ClinVar aggregate classification (germline): Pathogenic (1 of 4 stars; one submission).

Conditions:
Hereditary cancer-predisposing syndrome. Also called: Neoplastic Syndromes, Hereditary; Tumor predisposition; Hereditary Cancer Syndrome; Hereditary neoplastic syndrome. Identifiers: Orphanet 140162, MedGen C0027672, MeSH D009386, MONDO:0015356.

Submission:

Ambry Genetics
Classification: Pathogenic for Hereditary cancer-predisposing syndrome. Last evaluated: 2022-09-17. Review status: criteria provided, single submitter. Criteria: Ambry Variant Classification Scheme 2023. Collection method: clinical testing. Allele origin: germline.
Comment: The c.677delA pathogenic mutation, located in coding exon 5 of the STK11 gene, results from a deletion of one nucleotide at nucleotide position 677, causing a translational frameshift with a predicted alternate stop codon (p.N226Tfs*61). This variant is considered to be rare based on population cohorts in the Genome Aggregation Database (gnomAD). This alteration is expected to result in loss of function by premature protein truncation or nonsense-mediated mRNA decay. As such, this alteration is interpreted as a disease-causing mutation.